The following is an entry in ClinVar:

NM_000179.3(MSH6):c.2661T>G (p.Leu887=)

Gene: MSH6 (mutS homolog 6; plus strand). Cytogenetic location: 2p16.3.
Variant type: single nucleotide variant.
Coding change: c.2661T>G on transcript NM_000179.3 (MANE Select); coding-DNA position 2661, T replaced by G.
Protein change: p.Leu887=; no amino-acid change (leucine 887 retained).
Molecular consequence: synonymous variant.
Genome position (GRCh38, 1-based): chr2:47,800,644, T>G. VCF-style: chr2-47800644-T-G. GRCh37 (hg19) VCF-style: chr2-48027783-T-G.
Other names: c.2271T>G, p.Leu757= (NM_001281492.2); c.1755T>G, p.Leu585= (NM_001281493.2, NM_001281494.2).
Identifiers: ClinVar variation 89307 (VCV000089307.21), dbSNP rs267608069, ClinGen allele CA010687.

ClinVar aggregate classification (germline): Likely benign. Review status: reviewed by expert panel (3 of 4 stars). 8 submissions from 8 submitters: Likely benign (1). 7 of the submissions do not count toward it. Last evaluated 2013-09-05.

Conditions:
Lynch syndrome. Identifiers: Orphanet 144, MedGen C4552100, MONDO:0005835. Disease mechanism: loss of function.
Breast and/or ovarian cancer. Identifiers: MedGen CN221562.
Hereditary nonpolyposis colorectal neoplasms. Identifiers: MedGen C0009405, MeSH D003123.
Hereditary cancer-predisposing syndrome. Also called: Tumor predisposition; Hereditary Cancer Syndrome; Hereditary neoplastic syndrome; Neoplastic Syndromes, Hereditary. Identifiers: Orphanet 140162, MedGen C0027672, MeSH D009386, MONDO:0015356.
Lynch syndrome 5 (LYNCH5). Also called: Colorectal cancer, hereditary nonpolyposis, type 5; Hereditary non-polyposis colorectal cancer, type 5. Identifiers: Orphanet 144, MedGen C1833477, MONDO:0013710, OMIM 614350. Disease mechanism: loss of function.

Allele frequency attached by ClinVar (database versions not stated): gnomAD 0.00001; gnomAD exomes 0.00001; ExAC 0.00002; TOPMed 0.00002; ESP Exome Variant Server 0.00008.
gnomAD v4.1: 9 of 1,614,086 alleles (0.00056%); highest among the groups gnomAD compares: Non-Finnish European, 0.00076%; no homozygotes.

Submissions (8):

International Society for Gastrointestinal Hereditary Tumours (InSiGHT)
Classification: Likely benign for Lynch Syndrome. Last evaluated: 2013-09-05. Review status: reviewed by expert panel. Criteria: Guidelines v1.9. Collection method: research. Allele origin: germline.
Comment: Multifactorial likelihood analysis posterior probability 0.001-0.049

Classified with v1.9 guidelines

Labcorp Genetics (formerly Invitae), Labcorp
Classification: Likely benign for Hereditary nonpolyposis colorectal neoplasms. Last evaluated: 2026-01-11. Review status: criteria provided, single submitter. Criteria: Invitae Variant Classification Sherloc (09022015). Collection method: clinical testing. Allele origin: germline. Not counted in ClinVar's aggregate classification.

Myriad Genetics, Inc.
Classification: Benign for Lynch syndrome 5. Last evaluated: 2024-12-31. Review status: criteria provided, single submitter. Criteria: Myriad Autosomal Dominant, Autosomal Recessive and X-Linked Classification Criteria (2023). Collection method: clinical testing. Allele origin: unknown. Not counted in ClinVar's aggregate classification.
Comment: This variant is considered benign. This variant is a silent/synonymous amino acid change and it is not expected to impact splicing.

All of Us Research Program, National Institutes of Health
Classification: Likely benign for Lynch syndrome. Last evaluated: 2024-02-05. Review status: criteria provided, single submitter. Criteria: ACMG Guidelines, 2015. Collection method: clinical testing. Allele origin: germline. Inheritance: Autosomal dominant inheritance. Observed: 2 variant alleles, 2 heterozygotes. Not counted in ClinVar's aggregate classification.
Comment: This study involves interpretation of variants in research participants for the purpose of population health screening. Participant phenotype was not available at the time of variant classification. Additional details can be found in publication PMID: 35346344, PMCID: PMC8962531

CHEO Genetics Diagnostic Laboratory, Children's Hospital of Eastern Ontario
Classification: Likely benign for Breast and/or ovarian cancer. Last evaluated: 2023-04-14. Review status: criteria provided, single submitter. Criteria: ACMG Guidelines, 2015. Collection method: clinical testing. Allele origin: germline. Not counted in ClinVar's aggregate classification.

Color Diagnostics, LLC DBA Color Health
Classification: Likely benign for Hereditary cancer-predisposing syndrome. Last evaluated: 2022-01-01. Review status: criteria provided, single submitter. Criteria: ACMG Guidelines, 2015. Collection method: clinical testing. Allele origin: germline. Not counted in ClinVar's aggregate classification.

Ambry Genetics
Classification: Likely benign for Hereditary cancer-predisposing syndrome. Last evaluated: 2018-05-01. Review status: criteria provided, single submitter. Criteria: Ambry Variant Classification Scheme 2023. Collection method: clinical testing. Allele origin: germline. Not counted in ClinVar's aggregate classification.

GeneDx
Classification: Likely benign. Last evaluated: 2018-03-05. Review status: criteria provided, single submitter. Criteria: GeneDx Variant Classification (06012015). Collection method: clinical testing. Allele origin: germline. Affected: yes. Not counted in ClinVar's aggregate classification.
Comment: This variant is considered likely benign or benign based on one or more of the following criteria: it is a conservative change, it occurs at a poorly conserved position in the protein, it is predicted to be benign by multiple in silico algorithms, and/or has population frequency not consistent with disease.

Literature cited by the submitters: PubMed 18301448 (cited by Ambry Genetics); PubMed 24362816 (cited by Ambry Genetics).